The following is an entry in ClinVar:

ClinVar aggregate classification (germline): Uncertain significance. Review status: criteria provided, multiple submitters, no conflicts (2 of 4 stars). 2 submissions from 2 submitters: Uncertain significance (2). Last evaluated 2025-12-02.

Conditions:
Inborn genetic diseases. Identifiers: MedGen C0950123, MeSH D030342.

gnomAD v4.1: 11 of 1,602,720 alleles (0.00069%); highest among the groups gnomAD compares: East Asian, 0.02%; no homozygotes.

Submissions (2):

Ambry Genetics
Classification: Uncertain significance for Inborn genetic diseases. Last evaluated: 2025-12-02. Review status: criteria provided, single submitter. Criteria: Ambry Variant Classification Scheme 2023. Collection method: clinical testing. Allele origin: germline.

Labcorp Genetics (formerly Invitae), Labcorp
Classification: Uncertain significance. Last evaluated: 2025-02-03. Review status: criteria provided, single submitter. Criteria: Invitae Variant Classification Sherloc (09022015). Collection method: clinical testing. Allele origin: germline.
Comment: This sequence change replaces methionine, which is neutral and non-polar, with threonine, which is neutral and polar, at codon 259 of the DNA2 protein (p.Met259Thr). This variant is present in population databases (rs768840928, gnomAD 0.006%). This variant has not been reported in the literature in individuals affected with DNA2-related conditions. Invitae Evidence Modeling of protein sequence and biophysical properties (such as structural, functional, and spatial information, amino acid conservation, physicochemical variation, residue mobility, and thermodynamic stability) indicates that this missense variant is not expected to disrupt DNA2 protein function with a negative predictive value of 80%. In summary, the available evidence is currently insufficient to determine the role of this variant in disease. Therefore, it has been classified as a Variant of Uncertain Significance.

NM_001080449.3(DNA2):c.776T>C (p.Met259Thr)

Gene: DNA2 (DNA replication helicase/nuclease 2; minus strand). Cytogenetic location: 10q21.3.
Variant type: single nucleotide variant.
Coding change: c.776T>C on transcript NM_001080449.3 (MANE Select); coding-DNA position 776, T replaced by C.
Protein change: p.Met259Thr; replaces methionine 259 with threonine.
Molecular consequence: missense variant. On other transcripts: non-coding transcript variant (1).
Genome position (GRCh38, 1-based): chr10:68,450,191, A>G on the plus strand (T>C on the coding strand, the complement: DNA2 is on the minus strand). VCF-style: chr10-68450191-A-G. GRCh37 (hg19) VCF-style: chr10-70209948-A-G.
Other names: c.776T>C (NM_001080449.2); short protein forms M259T.
Identifiers: ClinVar variation 3698785 (VCV003698785.3).